The following is an entry in ClinVar:

NM_001110556.2(FLNA):c.1582G>C (p.Val528Leu)

Gene: FLNA (filamin A; minus strand). Cytogenetic location: Xq28.
Variant type: single nucleotide variant.
Coding change: c.1582G>C on transcript NM_001110556.2 (MANE Select); coding-DNA position 1582, G replaced by C.
Protein change: p.Val528Leu; replaces valine 528 with leucine.
Molecular consequence: missense variant.
Genome position (GRCh38, 1-based): chrX:154,365,245, C>G on the plus strand (G>C on the coding strand, the complement: FLNA is on the minus strand). VCF-style: chrX-154365245-C-G. GRCh37 (hg19) VCF-style: chrX-153593613-C-G.
Other names: c.1582G>C, p.Val528Leu (NM_001456.4); short protein forms V528L.
Identifiers: ClinVar variation 405451 (VCV000405451.10), dbSNP rs143873938, ClinGen allele CA16616632.

ClinVar aggregate classification (germline): Uncertain significance (1 of 4 stars; one submission).

Conditions:
Heterotopia, periventricular, X-linked dominant (PVNH1). Also called: PERIVENTRICULAR NODULAR HETEROTOPIA 4; HETEROTOPIA, PERIVENTRICULAR, 1; PERIVENTRICULAR NODULAR HETEROTOPIA 1; X-linked periventricular heterotopia. Identifiers: Orphanet 2149, Orphanet 82004, MedGen C1848213, MONDO:0010233, OMIM 300049.
Oto-palato-digital syndrome, type II (OPD2). Also called: Otopalatodigital Syndrome, Type II; Otopalatodigital Syndrome Type 2 (FLNA-OPD2); FACIOPALATOOSSEOUS SYNDROME; OPD II SYNDROME. Identifiers: Orphanet 669, Orphanet 90652, MedGen C1844696, MONDO:0010571, OMIM 304120.
Frontometaphyseal dysplasia (FMD1). Identifiers: Orphanet 1826, MedGen C0265293, MONDO:0015942.
Melnick-Needles syndrome (MNS). Also called: Melnick-Needles Syndrome (FLNA-MNS); MELNICK-NEEDLES OSTEODYSPLASTY; OSTEODYSPLASTY OF MELNICK AND NEEDLES. Identifiers: Orphanet 2484, MedGen C0025237, MONDO:0010650, OMIM 309350.

Submission:

Labcorp Genetics (formerly Invitae), Labcorp
Classification: Uncertain significance for Oto-palato-digital syndrome, type II; Heterotopia, periventricular, X-linked dominant; Frontometaphyseal dysplasia; Melnick-Needles syndrome. Last evaluated: 2016-10-25. Review status: criteria provided, single submitter. Criteria: Invitae Variant Classification Sherloc (09022015). Collection method: clinical testing. Allele origin: germline.
Comment: In summary, this variant is a novel missense change that is not predicted to affect protein function. There is no indication that it causes disease, but the available evidence is currently insufficient to prove that conclusively. Therefore, it has been classified as a Variant of Uncertain Significance. Algorithms developed to predict the effect of missense changes on protein structure and function (SIFT, PolyPhen-2, Align-GVGD) all suggest that this variant is likely to be tolerated, but these predictions have not been confirmed by published functional studies. This variant is not present in population databases (ExAC no frequency) and has not been reported in the literature in individuals with a FLNA-related disease. This sequence change replaces valine with leucine at codon 528 of the FLNA protein (p.Val528Leu). The valine residue is highly conserved and there is a small physicochemical difference between valine and leucine.